The following is an entry in ClinVar:

ClinVar aggregate classification (germline): Benign/Likely benign. Review status: criteria provided, multiple submitters, no conflicts (2 of 4 stars). 5 submissions from 5 submitters: Benign (1); Likely benign (4). Last evaluated 2024-12-20.

Conditions:
Hereditary cancer-predisposing syndrome. Also called: Neoplastic Syndromes, Hereditary; Tumor predisposition; Hereditary neoplastic syndrome; Hereditary Cancer Syndrome. Identifiers: Orphanet 140162, MedGen C0027672, MeSH D009386, MONDO:0015356.
Lynch syndrome. Identifiers: Orphanet 144, MedGen C4552100, MONDO:0005835. Disease mechanism: loss of function.
Lynch syndrome 5 (LYNCH5). Also called: Colorectal cancer, hereditary nonpolyposis, type 5; Hereditary non-polyposis colorectal cancer, type 5. Identifiers: Orphanet 144, MedGen C1833477, MONDO:0013710, OMIM 614350. Disease mechanism: loss of function.
Hereditary nonpolyposis colorectal neoplasms. Identifiers: MedGen C0009405, MeSH D003123.

gnomAD v4.1: 1 of 1,614,162 alleles (0.000062%); highest among the groups gnomAD compares: Non-Finnish European, 0.000085%; no homozygotes.

Submissions (5):

Myriad Genetics, Inc.
Classification: Benign for Lynch syndrome 5. Last evaluated: 2024-12-20. Review status: criteria provided, single submitter. Criteria: Myriad Autosomal Dominant, Autosomal Recessive and X-Linked Classification Criteria (2023). Collection method: clinical testing. Allele origin: unknown.
Comment: This variant is considered benign. This variant is a silent/synonymous amino acid change and it is not expected to impact splicing.

Labcorp Genetics (formerly Invitae), Labcorp
Classification: Likely benign for Hereditary nonpolyposis colorectal neoplasms. Last evaluated: 2024-10-30. Review status: criteria provided, single submitter. Criteria: Invitae Variant Classification Sherloc (09022015). Collection method: clinical testing. Allele origin: germline.

All of Us Research Program, National Institutes of Health
Classification: Likely benign for Lynch syndrome. Last evaluated: 2024-08-23. Review status: criteria provided, single submitter. Criteria: ACMG Guidelines, 2015. Collection method: clinical testing. Allele origin: germline. Inheritance: Autosomal dominant inheritance. Observed: 2 variant alleles, 2 heterozygotes.
Comment: This study involves interpretation of variants in research participants for the purpose of population health screening. Participant phenotype was not available at the time of variant classification. Additional details can be found in publication PMID: 35346344, PMCID: PMC8962531

Ambry Genetics
Classification: Likely benign for Hereditary cancer-predisposing syndrome. Last evaluated: 2019-09-20. Review status: criteria provided, single submitter. Criteria: Ambry Variant Classification Scheme 2023. Collection method: clinical testing. Allele origin: germline.

Color Diagnostics, LLC DBA Color Health
Classification: Likely benign for Hereditary cancer-predisposing syndrome. Last evaluated: 2018-07-03. Review status: criteria provided, single submitter. Criteria: ACMG Guidelines, 2015. Collection method: clinical testing. Allele origin: germline.

NM_000179.3(MSH6):c.960C>G (p.Pro320=)

Gene: MSH6 (mutS homolog 6; plus strand). Cytogenetic location: 2p16.3.
Variant type: single nucleotide variant.
Coding change: c.960C>G on transcript NM_000179.3 (MANE Select); coding-DNA position 960, C replaced by G.
Protein change: p.Pro320=; no amino-acid change (proline 320 retained).
Molecular consequence: synonymous variant.
Genome position (GRCh38, 1-based): chr2:47,798,943, C>G. VCF-style: chr2-47798943-C-G. GRCh37 (hg19) VCF-style: chr2-48026082-C-G.
Other names: c.570C>G, p.Pro190= (NM_001281492.2); c.54C>G, p.Pro18= (NM_001281493.2, NM_001281494.2).
Identifiers: ClinVar variation 628795 (VCV000628795.17), dbSNP rs575325950, ClinGen allele CA426120654.